The following is an entry in ClinVar:

ClinVar aggregate classification (germline): Pathogenic. Review status: criteria provided, multiple submitters, no conflicts (2 of 4 stars). 2 submissions from 2 submitters: Pathogenic (2). Last evaluated 2024-11-27.

Conditions:
Familial infantile myasthenia (CMS6). Also called: MYASTHENIC SYNDROME, CONGENITAL, 6, PRESYNAPTIC; Congenital myasthenic syndrome type 6; MYASTHENIC SYNDROME, PRESYNAPTIC, CONGENITAL, ASSOCIATED WITH EPISODIC APNEA. Identifiers: Orphanet 590, MedGen C0393929, MONDO:0009689, OMIM 254210.

Allele frequency attached by ClinVar (database versions not stated): ESP Exome Variant Server 0.00008.
gnomAD v4.1: 6 of 1,613,714 alleles (0.00037%); highest among the groups gnomAD compares: African/African-American, 0.0027%; no homozygotes.

Submissions (2):

Labcorp Genetics (formerly Invitae), Labcorp
Classification: Pathogenic for Familial infantile myasthenia. Last evaluated: 2024-11-27. Review status: criteria provided, single submitter. Criteria: Invitae Variant Classification Sherloc (09022015). Collection method: clinical testing. Allele origin: germline.
Comment: This sequence change creates a premature translational stop signal (p.Arg470*) in the CHAT gene. It is expected to result in an absent or disrupted protein product. Loss-of-function variants in CHAT are known to be pathogenic (PMID: 12548525, 21786365, 23292760). This variant is present in population databases (rs142889639, gnomAD 0.004%). This premature translational stop signal has been observed in individual(s) with congenital myasthenic syndrome (PMID: 29189923). ClinVar contains an entry for this variant (Variation ID: 1322074). For these reasons, this variant has been classified as Pathogenic.

Revvity Omics, Revvity
Classification: Pathogenic for Familial infantile myasthenia. Last evaluated: 2020-03-12. Review status: criteria provided, single submitter. Criteria: ACMG Guidelines, 2015. Collection method: clinical testing. Allele origin: germline.

Literature cited by the submitters: PubMed 12548525 (cited by Labcorp Genetics (formerly Invitae), Labcorp); PubMed 21786365 (cited by Labcorp Genetics (formerly Invitae), Labcorp); PubMed 23292760 (cited by Labcorp Genetics (formerly Invitae), Labcorp); PubMed 29189923 (cited by Labcorp Genetics (formerly Invitae), Labcorp).

NM_020549.5(CHAT):c.1408C>T (p.Arg470Ter)

Gene: CHAT (choline O-acetyltransferase; plus strand). Cytogenetic location: 10q11.23.
Variant type: single nucleotide variant.
Coding change: c.1408C>T on transcript NM_020549.5 (MANE Select); coding-DNA position 1408, C replaced by T.
Protein change: p.Arg470Ter; replaces arginine 470 with a stop codon.
Molecular consequence: nonsense.
Genome position (GRCh38, 1-based): chr10:49,649,533, C>T. VCF-style: chr10-49649533-C-T. GRCh37 (hg19) VCF-style: chr10-50857579-C-T.
Other names: c.1054C>T, p.Arg352Ter (NM_001142929.2, NM_001142934.2, NM_020984.4 and 2 more transcripts); c.1162C>T, p.Arg388Ter (NM_001142933.2); short protein forms R352*, R388*, R470*.
Identifiers: ClinVar variation 1322074 (VCV001322074.7), dbSNP rs142889639, ClinGen allele CA5497489.
Genomic context (GRCh38, chr10:49,649,533, plus strand): 5'-CGCAGAGCCTCAGGAGGTTGCCTCTGTGCCCGCAGGACGCAGAGCAGCAGGAAGCTGATC[C>T]GAGCAGACTCCGTCAGCGAGCTCCCCGCCCCCCGGAGGCTGCGGTGGAAATGCTCCCCGG-3'